The following is an entry in ClinVar:

ClinVar aggregate classification (germline): Likely benign. Review status: criteria provided, multiple submitters, no conflicts (2 of 4 stars). 4 submissions from 4 submitters: Likely benign (4). Last evaluated 2026-05-22.

Conditions:
MYPN-related disorder. Also called: MYPN-related condition.
Cardiovascular phenotype. Identifiers: MedGen CN230736.
Dilated cardiomyopathy 1KK (CMD1KK). Identifiers: Orphanet 154, Orphanet 75249, MedGen C3714995, MONDO:0014100, OMIM 615248.

Allele frequency attached by ClinVar (database versions not stated): gnomAD exomes 0.00002 and 0.00006; ExAC 0.00003; gnomAD 0.00004 and 0.00005; TOPMed 0.00005; 1000 Genomes Project 30x 0.00016; 1000 Genomes Project 0.00020.
gnomAD v4.1: 102 of 1,614,222 alleles (0.0063%); highest among the groups gnomAD compares: Non-Finnish European, 0.008%; no homozygotes.

Submissions (4):

PreventionGenetics, part of Exact Sciences
Classification: Likely benign for MYPN-related condition. Last evaluated: 2026-05-22. Review status: criteria provided, single submitter. Criteria: ACMG Guidelines, 2015. Collection method: clinical testing. Allele origin: germline.
Comment: This variant is classified as likely benign based on ACMG/AMP sequence variant interpretation guidelines (Richards et al. 2015 PMID: 25741868, with internal and published modifications).

Labcorp Genetics (formerly Invitae), Labcorp
Classification: Likely benign for Dilated cardiomyopathy 1KK. Last evaluated: 2025-11-03. Review status: criteria provided, single submitter. Criteria: Invitae Variant Classification Sherloc (09022015). Collection method: clinical testing. Allele origin: germline.

CeGaT Center for Human Genetics Tuebingen
Classification: Likely benign. Last evaluated: 2024-10-01. Review status: criteria provided, single submitter. Criteria: CeGaT Center For Human Genetics Tuebingen Variant Classification Criteria Version 2. Collection method: clinical testing. Allele origin: germline. Affected: yes. Observed: 1 variant allele.
Comment: MYPN: BP4, BP7

Ambry Genetics
Classification: Likely benign for Cardiovascular phenotype. Last evaluated: 2022-09-28. Review status: criteria provided, single submitter. Criteria: Ambry Variant Classification Scheme 2023. Collection method: clinical testing. Allele origin: germline.

NM_032578.4(MYPN):c.1560A>G (p.Lys520=)

Gene: MYPN (myopalladin; plus strand). Cytogenetic location: 10q21.3.
Variant type: single nucleotide variant.
Coding change: c.1560A>G on transcript NM_032578.4 (MANE Select); coding-DNA position 1560, A replaced by G.
Protein change: p.Lys520=; no amino-acid change (lysine 520 retained).
Molecular consequence: synonymous variant. On other transcripts: non-coding transcript variant (2).
Genome position (GRCh38, 1-based): chr10:68,165,778, A>G. VCF-style: chr10-68165778-A-G. GRCh37 (hg19) VCF-style: chr10-69925535-A-G.
Other names: c.1560A>G, p.Lys520= (NM_001256267.2); c.678A>G, p.Lys226= (NM_001256268.2).
Identifiers: ClinVar variation 949290 (VCV000949290.27), dbSNP rs199809622, ClinGen allele CA5522607.